The following is an entry in ClinVar:

ClinVar aggregate classification (germline): Conflicting classifications of pathogenicity. Review status: criteria provided, conflicting classifications (1 of 4 stars). 5 submissions from 5 submitters: Uncertain significance (4); Likely benign (1). Last evaluated 2025-09-05.

Conditions:
Arterial tortuosity syndrome (ATORS). Identifiers: Orphanet 3342, MedGen C1859726, MONDO:0008818, OMIM 208050.
Familial thoracic aortic aneurysm and aortic dissection (TAAD). Also called: Thoracic aortic aneurysms and dissections. Identifiers: Orphanet 91387, MedGen C4707243, MONDO:0019625.

Allele frequency attached by ClinVar (database versions not stated): ExAC 0.00001; gnomAD exomes 0.00001; ESP Exome Variant Server 0.00008; gnomAD 0.00008 and 0.00009; TOPMed 0.00008.
gnomAD v4.1: 23 of 1,613,356 alleles (0.0014%); highest among the groups gnomAD compares: African/African-American, 0.021%; no homozygotes.

Submissions (5):

Ambry Genetics
Classification: Uncertain significance for Familial thoracic aortic aneurysm and aortic dissection. Last evaluated: 2025-09-05. Review status: criteria provided, single submitter. Criteria: Ambry Variant Classification Scheme 2023. Collection method: clinical testing. Allele origin: germline.
Comment: The c.1412-3C>T intronic variant results from a C to T substitution 3 nucleotides upstream from coding exon 4 in the SLC2A10 gene. This nucleotide position is not well conserved in available vertebrate species. In silico splice site analysis predicts that this alteration will not have any significant effect on splicing. Based on the available evidence, the clinical significance of this variant remains unclear.

Fulgent Genetics
Classification: Uncertain significance for Arterial tortuosity syndrome. Last evaluated: 2024-03-31. Review status: criteria provided, single submitter. Criteria: ACMG Guidelines, 2015. Collection method: clinical testing. Allele origin: germline.

Labcorp Genetics (formerly Invitae), Labcorp
Classification: Uncertain significance for Arterial tortuosity syndrome. Last evaluated: 2022-08-22. Review status: criteria provided, single submitter. Criteria: Invitae Variant Classification Sherloc (09022015). Collection method: clinical testing. Allele origin: germline.
Comment: In summary, the available evidence is currently insufficient to determine the role of this variant in disease. Therefore, it has been classified as a Variant of Uncertain Significance. Variants that disrupt the consensus splice site are a relatively common cause of aberrant splicing (PMID: 17576681, 9536098). Algorithms developed to predict the effect of sequence changes on RNA splicing suggest that this variant is not likely to affect RNA splicing. ClinVar contains an entry for this variant (Variation ID: 390198). This variant has not been reported in the literature in individuals affected with SLC2A10-related conditions. This variant is present in population databases (rs374857656, gnomAD 0.01%). This sequence change falls in intron 3 of the SLC2A10 gene. It does not directly change the encoded amino acid sequence of the SLC2A10 protein. It affects a nucleotide within the consensus splice site.

Center for Genomics, Ann and Robert H. Lurie Children's Hospital of Chicago
Classification: Uncertain significance for Arterial tortuosity syndrome. Last evaluated: 2021-03-30. Review status: criteria provided, single submitter. Criteria: ACMG Guidelines, 2015. Collection method: clinical testing. Allele origin: germline.
Comment: SLC2A10 NM_030777.3 exon 4 c.1412-3C>T: This variant has not been reported in the literature and is present in 0.02% (5/24966) of African alleles in the Genome Aggregation Database. This variant is present in ClinVar (Variation ID:390198). Evolutionary conservation and computational predictive tools for this variant are limited or unavailable. This variant is an intronic variant with no predicted change in the amino acid sequence but may have an unknown effect on splicing. Further studies are needed to understand its impact. In summary, data on this variant is insufficient for disease classification. Therefore, the clinical significance of this variant is uncertain.

GeneDx
Classification: Likely benign. Last evaluated: 2016-10-24. Review status: criteria provided, single submitter. Criteria: GeneDx Variant Classification (06012015). Collection method: clinical testing. Allele origin: germline. Affected: yes.
Comment: This variant is considered likely benign or benign based on one or more of the following criteria: it is a conservative change, it occurs at a poorly conserved position in the protein, it is predicted to be benign by multiple in silico algorithms, and/or has population frequency not consistent with disease.

Literature cited by the submitters: PubMed 17576681 (cited by Labcorp Genetics (formerly Invitae), Labcorp); PubMed 9536098 (cited by Labcorp Genetics (formerly Invitae), Labcorp).

NM_030777.4(SLC2A10):c.1412-3C>T

Gene: SLC2A10 (solute carrier family 2 member 10; plus strand). Cytogenetic location: 20q13.12.
Variant type: single nucleotide variant.
Coding change: c.1412-3C>T on transcript NM_030777.4 (MANE Select); 3 bases into the intron before coding-DNA position 1412, C replaced by T.
Molecular consequence: intron variant.
Genome position (GRCh38, 1-based): chr20:46,729,350, C>T. VCF-style: chr20-46729350-C-T. GRCh37 (hg19) VCF-style: chr20-45357989-C-T.
Identifiers: ClinVar variation 390198 (VCV000390198.17), dbSNP rs374857656, ClinGen allele CA9892205.